The following is an entry in ClinVar:

ClinVar aggregate classification (germline): Uncertain significance. Review status: criteria provided, multiple submitters, no conflicts (2 of 4 stars). 2 submissions from 2 submitters: Uncertain significance (2). Last evaluated 2022-04-19.

Conditions:
Primary immunodeficiency with post-measles-mumps-rubella vaccine viral infection. Also called: Immunodeficiency 44. Identifiers: Orphanet 431166, MedGen C4225260, MONDO:0014715, OMIM 616636.

Allele frequency attached by ClinVar (database versions not stated): ExAC 0.00001; gnomAD exomes 0.00001 and 0.00003; gnomAD 0.00002; TOPMed 0.00002.
gnomAD v4.1: 10 of 1,614,086 alleles (0.00062%); highest among the groups gnomAD compares: Admixed American, 0.017%; no homozygotes.

Submissions (2):

Labcorp Genetics (formerly Invitae), Labcorp
Classification: Uncertain significance for Primary immunodeficiency with post-measles-mumps-rubella vaccine viral infection. Last evaluated: 2022-04-19. Review status: criteria provided, single submitter. Criteria: Invitae Variant Classification Sherloc (09022015). Collection method: clinical testing. Allele origin: germline.
Comment: This variant is present in population databases (rs779466832, gnomAD 0.02%). In summary, the available evidence is currently insufficient to determine the role of this variant in disease. Therefore, it has been classified as a Variant of Uncertain Significance. Advanced modeling of protein sequence and biophysical properties (such as structural, functional, and spatial information, amino acid conservation, physicochemical variation, residue mobility, and thermodynamic stability) performed at Invitae indicates that this missense variant is expected to disrupt STAT2 protein function. ClinVar contains an entry for this variant (Variation ID: 573997). This variant has not been reported in the literature in individuals affected with STAT2-related conditions. This sequence change replaces serine, which is neutral and polar, with glycine, which is neutral and non-polar, at codon 432 of the STAT2 protein (p.Ser432Gly).

Blueprint Genetics
Classification: Uncertain significance. Last evaluated: 2019-01-24. Review status: criteria provided, single submitter. Criteria: ACMG Guidelines, 2015. Collection method: clinical testing. Allele origin: germline.

NM_005419.4(STAT2):c.1294A>G (p.Ser432Gly)

Gene: STAT2 (signal transducer and activator of transcription 2; minus strand). Cytogenetic location: 12q13.3.
Variant type: single nucleotide variant.
Coding change: c.1294A>G on transcript NM_005419.4 (MANE Select); coding-DNA position 1294, A replaced by G.
Protein change: p.Ser432Gly; replaces serine 432 with glycine.
Molecular consequence: missense variant.
Genome position (GRCh38, 1-based): chr12:56,349,473, T>C on the plus strand (A>G on the coding strand, the complement: STAT2 is on the minus strand). VCF-style: chr12-56349473-T-C. GRCh37 (hg19) VCF-style: chr12-56743257-T-C.
Other names: c.1282A>G, p.Ser428Gly (NM_198332.2); c.1294A>G, p.Ser432Gly (LRG_1329t1); short protein forms S432G, S428G.
Identifiers: ClinVar variation 573997 (VCV000573997.8), dbSNP rs779466832, ClinGen allele CA6630562.